The following is an entry in ClinVar:

NM_000414.4(HSD17B4):c.1504-1G>A

Gene: HSD17B4 (hydroxysteroid 17-beta dehydrogenase 4; plus strand). Cytogenetic location: 5q23.1.
Variant type: single nucleotide variant.
Coding change: c.1504-1G>A on transcript NM_000414.4 (MANE Select); the canonical splice acceptor site of the intron before coding-DNA position 1504, G replaced by A.
Molecular consequence: splice acceptor variant.
Genome position (GRCh38, 1-based): chr5:119,525,215, G>A. VCF-style: chr5-119525215-G-A. GRCh37 (hg19) VCF-style: chr5-118860910-G-A.
Other names: c.1093-1G>A (NM_001374503.1, NM_001374502.1, NM_001374501.1); c.1579-1G>A (NM_001199291.3); c.1177-1G>A (NM_001374499.1); c.1063-1G>A (NM_001374500.1); c.1084-1G>A (NM_001292028.2); c.1432-1G>A (NM_001292027.2, NM_001374498.1); c.1495-1G>A (NM_001374497.1); c.1450-1G>A (NM_001199292.2).
Identifiers: ClinVar variation 2009598 (VCV002009598.4), dbSNP rs2531904772, ClinGen allele CA360869027.

ClinVar aggregate classification (germline): Likely pathogenic (1 of 4 stars; one submission).

Conditions:
Bifunctional peroxisomal enzyme deficiency (DBIF). Also called: DBP DEFICIENCY; PBFE DEFICIENCY; D-bifunctional protein deficiency. Identifiers: Orphanet 300, MedGen C0342870, MONDO:0009855, OMIM 261515. Disease mechanism: loss of function.
Perrault syndrome. Also called: Gonadal dysgenesis with auditory dysfunction, autosomal recessive inheritance. Identifiers: Orphanet 2855, MedGen C0685838, MONDO:0017312.

Submission:

Labcorp Genetics (formerly Invitae), Labcorp
Classification: Likely pathogenic for Perrault syndrome; Bifunctional peroxisomal enzyme deficiency. Last evaluated: 2022-06-29. Review status: criteria provided, single submitter. Criteria: Invitae Variant Classification Sherloc (09022015). Collection method: clinical testing. Allele origin: germline.
Comment: This sequence change affects an acceptor splice site in intron 17 of the HSD17B4 gene. It is expected to disrupt RNA splicing. Variants that disrupt the donor or acceptor splice site typically lead to a loss of protein function (PMID: 16199547), and loss-of-function variants in HSD17B4 are known to be pathogenic (PMID: 11810648, 16385454). This variant is not present in population databases (gnomAD no frequency). This variant has not been reported in the literature in individuals affected with HSD17B4-related conditions. Algorithms developed to predict the effect of sequence changes on RNA splicing suggest that this variant may disrupt the consensus splice site. In summary, the currently available evidence indicates that the variant is pathogenic, but additional data are needed to prove that conclusively. Therefore, this variant has been classified as Likely Pathogenic.

Literature cited by the submitters: PubMed 16199547; PubMed 11810648; PubMed 16385454.